The following is an entry in ClinVar:

NM_001009944.3(PKD1):c.12276A>G (p.Ala4092=)

Gene: PKD1 (polycystin 1, transient receptor potential channel interacting; minus strand). Cytogenetic location: 16p13.3.
Variant type: single nucleotide variant.
Coding change: c.12276A>G on transcript NM_001009944.3 (MANE Select); coding-DNA position 12276, A replaced by G.
Protein change: p.Ala4092=; no amino-acid change (alanine 4092 retained).
Molecular consequence: synonymous variant.
Genome position (GRCh38, 1-based): chr16:2,090,453, T>C on the plus strand (A>G on the coding strand, the complement: PKD1 is on the minus strand). VCF-style: chr16-2090453-T-C. GRCh37 (hg19) VCF-style: chr16-2140454-T-C.
Other names: p.Ala4092=; c.12273A>G, p.Ala4091= (NM_000296.4).
Identifiers: ClinVar variation 256917 (VCV000256917.21), dbSNP rs3087632, ClinGen allele CA7828700.
Genomic context (GRCh38, chr16:2,090,453, plus strand): 5'-GGCGTGGTAGCGCCAGCGGAGAATAACAGCCCCCAGCCGTAGGGCGCCCCACAGCCGCAG[T>C]GCCCAGAGCCCCACACACAGCAGGGGTGACAGGTGCCAGGACTCGGCAGGACACAGGGTA-3'
Protein context (NP_001009944.3, residues 4082-4102): LSPLLCVGLW[Ala4092=]LRLWGALRLG

ClinVar aggregate classification (germline): Benign/Likely benign. Review status: criteria provided, multiple submitters, no conflicts (2 of 4 stars). 11 submissions from 11 submitters: Benign (9); Likely benign (1). 1 of the submissions does not count toward it. Last evaluated 2025-04-25.

Conditions:
Inborn genetic diseases. Identifiers: MedGen C0950123, MeSH D030342.
Autosomal dominant polycystic kidney disease. Identifiers: Orphanet 730, MedGen C0085413, MONDO:0004691.
Polycystic kidney disease, adult type (PKD1). Also called: Polycystic Kidney, Autosomal Dominant; Polycystic Kidney Disease 1, Autosomal Dominant; Polycystic kidney disease 1; Polycystic kidney disease 1, severe; POLYCYSTIC KIDNEY DISEASE 1 WITH OR WITHOUT POLYCYSTIC LIVER DISEASE; POLYCYSTIC KIDNEY DISEASE, ADULT, TYPE I. Identifiers: MedGen C3149841, MONDO:0008263, OMIM 173900.
Polycystic kidney disease. Also called: Polycystic kidney dysplasia; Kidney, Polycystic. Identifiers: MedGen C0022680, MeSH D007690, MONDO:0020642, HP:0000113.

Allele frequency attached by ClinVar (database versions not stated): 1000 Genomes Project 0.27636; 1000 Genomes Project 30x 0.28545; gnomAD 0.30741 and 0.32172; TOPMed 0.31834; ESP Exome Variant Server 0.32610.
gnomAD v4.1: 314,649 of 1,611,916 alleles (20%); highest among the groups gnomAD compares: African/African-American, 64%; 40,334 homozygotes.

Submissions (11):

Women's Health and Genetics/Laboratory Corporation of America, LabCorp
Classification: Benign. Last evaluated: 2025-04-25. Review status: criteria provided, single submitter. Criteria: LabCorp Variant Classification Summary - May 2015. Collection method: clinical testing. Allele origin: germline.

Ambry Genetics
Classification: Likely benign for Inborn genetic diseases. Last evaluated: 2025-01-21. Review status: criteria provided, single submitter. Criteria: Ambry Variant Classification Scheme 2023. Collection method: clinical testing. Allele origin: germline.

Blueprint Genetics
Classification: Benign. Last evaluated: 2024-11-27. Review status: criteria provided, single submitter. Criteria: ACMG Guidelines, 2015. Collection method: clinical testing. Allele origin: germline.

Mayo Clinic Laboratories, Mayo Clinic
Classification: Benign. Last evaluated: 2022-09-30. Review status: criteria provided, single submitter. Criteria: ACMG Guidelines, 2015. Collection method: clinical testing. Allele origin: germline. Observed: 155 variant alleles.
Comment: BA1

ARUP Laboratories, Molecular Genetics and Genomics, ARUP Laboratories
Classification: Benign for Polycystic kidney disease, adult type. Last evaluated: 2020-07-07. Review status: criteria provided, single submitter. Criteria: ARUP Molecular Germline Variant Investigation Process. Collection method: clinical testing. Allele origin: germline.

GeneDx
Classification: Benign. Last evaluated: 2019-08-29. Review status: criteria provided, single submitter. Criteria: GeneDx Variant Classification Process June 2021. Collection method: clinical testing. Allele origin: germline. Affected: yes.
Comment: This variant is associated with the following publications: (PMID: 32957937)

Molecular Genetics of Inherited Kidney Disorders Laboratory, Garvan Institute of Medical Research
Classification: Benign for Autosomal dominant polycystic kidney disease. Last evaluated: 2019-01-01. Review status: criteria provided, single submitter. Criteria: ACMG Guidelines, 2015. Collection method: research. Allele origin: germline. Affected: yes.

Athena Diagnostics
Classification: Benign for Polycystic kidney disease, adult type. Last evaluated: 2017-05-25. Review status: criteria provided, single submitter. Criteria: Athena Diagnostics Criteria. Collection method: clinical testing. Allele origin: germline.

Breakthrough Genomics
Classification: Benign. Review status: criteria provided, single submitter. Criteria: ACMG Guidelines, 2015. Collection method: not provided. Allele origin: germline. Inheritance: Autosomal dominant inheritance. Affected: yes.

PreventionGenetics, part of Exact Sciences
Classification: Benign. Review status: criteria provided, single submitter. Criteria: ACMG Guidelines, 2015. Collection method: clinical testing. Allele origin: germline.

Department of Pathology and Laboratory Medicine, Sinai Health System
Classification: Benign for Polycystic Kidney disease. Review status: no assertion criteria provided. Collection method: clinical testing. Allele origin: unknown. Affected: yes. Observed: 1 variant allele. Study: The Canadian Open Genetics Repository (COGR). Not counted in ClinVar's aggregate classification.
Comment: The 12276A>G, p.Ala4092Ala variant was identified in 19.6% of 22546 control alleles in the Exome Aggregation Consortium (March 14, 2016). According to ACMG guidelines for variant classification based on allele frequency, category BA1, this variant is considered benign and has not been further reviewed (Richards 2015).